The following is an entry in ClinVar:

NM_020780.2(DISP3):c.714C>T (p.Pro238=)

Gene: DISP3 (dispatched RND transporter family member 3; plus strand). Cytogenetic location: 1p36.22.
Variant type: single nucleotide variant.
Coding change: c.714C>T on transcript NM_020780.2 (MANE Select); coding-DNA position 714, C replaced by T.
Protein change: p.Pro238=; no amino-acid change (proline 238 retained).
Molecular consequence: synonymous variant.
Genome position (GRCh38, 1-based): chr1:11,501,706, C>T. VCF-style: chr1-11501706-C-T. GRCh37 (hg19) VCF-style: chr1-11561763-C-T.
Identifiers: ClinVar variation 3033218 (VCV003033218.3), dbSNP rs372733155, ClinGen allele CA591458.

ClinVar aggregate classification (germline): Likely benign. Review status: criteria provided, single submitter (1 of 4 stars). 2 submissions from 2 submitters: Likely benign (1). 1 of the submissions does not count toward it.

Conditions:
DISP3-related disorder. Also called: DISP3-related condition.

Allele frequency attached by ClinVar (database versions not stated): ExAC 0.00037; 1000 Genomes Project 0.00080; ESP Exome Variant Server 0.00091; gnomAD 0.00098; 1000 Genomes Project 30x 0.00109; TOPMed 0.00132.
gnomAD v4.1: 257 of 1,601,128 alleles (0.016%); highest among the groups gnomAD compares: African/African-American, 0.33%; no homozygotes.

Submissions (2):

Breakthrough Genomics
Classification: Likely benign. Review status: criteria provided, single submitter. Criteria: ACMG Guidelines, 2015. Collection method: not provided. Allele origin: germline. Inheritance: Unknown mechanism. Affected: yes.

PreventionGenetics, part of Exact Sciences
Classification: Likely benign for DISP3-related condition. Last evaluated: 2019-06-14. Review status: no assertion criteria provided. Collection method: clinical testing. Allele origin: germline. Not counted in ClinVar's aggregate classification.
Comment: This variant is classified as likely benign based on ACMG/AMP sequence variant interpretation guidelines (Richards et al. 2015 PMID: 25741868, with internal and published modifications).